The following is an entry in ClinVar:

NM_000038.6(APC):c.531+7A>G

Gene: APC (APC regulator of Wnt signaling pathway; plus strand). Cytogenetic location: 5q22.2.
Variant type: single nucleotide variant.
Coding change: c.531+7A>G on transcript NM_000038.6 (MANE Select); 7 bases into the intron after coding-DNA position 531, A replaced by G.
Molecular consequence: intron variant.
Genome position (GRCh38, 1-based): chr5:112,775,744, A>G. VCF-style: chr5-112775744-A-G. GRCh37 (hg19) VCF-style: chr5-112111441-A-G.
Other names: c.-505+7A>G (NM_001407470.1, NM_001407472.1, NM_001354906.2 and 1 more transcripts); c.531+7A>G (NM_001407447.1, NM_001354895.2, NM_001407456.1 and 16 more transcripts); c.561+7A>G (NM_001407446.1, NM_001354897.2, NM_001354902.2 and 1 more transcripts); c.354+7A>G (NM_001407453.1, NM_001354900.2, NM_001354901.2 and 1 more transcripts); c.456+7A>G (NM_001407451.1, NM_001354898.2, NM_001354904.2).
Identifiers: ClinVar variation 2913092 (VCV002913092.4), dbSNP rs2149616433, ClinGen allele CA2739274970.
Genomic context (GRCh38, chr5:112,775,744, plus strand): 5'-GCTCAACTTCAGAATCTCACTAAAAGAATAGATAGTCTTCCTTTAACTGAAAATGTAAGT[A>G]ACTTGGCAGTACAACTTATTTGAAACTTTAATAACTTGATATTTTAAAGTACCTAGGTAA-3'

ClinVar aggregate classification (germline): Conflicting classifications of pathogenicity. Review status: criteria provided, conflicting classifications (1 of 4 stars). 2 submissions from 2 submitters: Uncertain significance (1); Likely benign (1). Last evaluated 2024-02-23.

Conditions:
Familial adenomatous polyposis 1 (FAP1). Also called: FAMILIAL ADENOMATOUS POLYPOSIS 1, ATTENUATED; POLYPOSIS, ADENOMATOUS INTESTINAL. Identifiers: MedGen C2713442, MONDO:0021056, OMIM 175100. Disease mechanism: loss of function.

Submissions (2):

Myriad Genetics, Inc.
Classification: Likely benign for Familial adenomatous polyposis 1. Last evaluated: 2024-02-23. Review status: criteria provided, single submitter. Criteria: Myriad Autosomal Dominant, Autosomal Recessive and X-Linked Classification Criteria (2023). Collection method: clinical testing. Allele origin: unknown.
Comment: This variant is considered likely benign. This variant is intronic and is not expected to impact mRNA splicing.

Labcorp Genetics (formerly Invitae), Labcorp
Classification: Uncertain significance for Familial adenomatous polyposis 1. Last evaluated: 2023-06-04. Review status: criteria provided, single submitter. Criteria: Invitae Variant Classification Sherloc (09022015). Collection method: clinical testing. Allele origin: germline.
Comment: This sequence change falls in intron 5 of the APC gene. It does not directly change the encoded amino acid sequence of the APC protein. This variant has not been reported in the literature in individuals affected with APC-related conditions. Algorithms developed to predict the effect of sequence changes on RNA splicing suggest that this variant may disrupt the consensus splice site. In summary, the available evidence is currently insufficient to determine the role of this variant in disease. Therefore, it has been classified as a Variant of Uncertain Significance. This variant is not present in population databases (gnomAD no frequency).